The following is an entry in ClinVar:

ClinVar aggregate classification (germline): Uncertain significance. Review status: criteria provided, multiple submitters, no conflicts (2 of 4 stars). 2 submissions from 2 submitters: Uncertain significance (2). Last evaluated 2026-05-14.

Conditions:
Severe combined immunodeficiency, autosomal recessive, T cell-negative, B cell-negative, NK cell-positive. Also called: SCID, T CELL-NEGATIVE, B CELL-NEGATIVE, NK CELL-POSITIVE; SCID, AR, T-cell negative, B-cell negative, NK cell-positive; Severe combined immunodeficiency due to complete RAG1/2 deficiency. Identifiers: Orphanet 331206, MedGen C1832322, MONDO:0011086, OMIM 601457.
Combined immunodeficiency with skin granulomas. Identifiers: Orphanet 157949, MedGen C2673536, MONDO:0009306, OMIM 233650.
Histiocytic medullary reticulosis. Also called: SEVERE COMBINED IMMUNODEFICIENCY WITH HYPEREOSINOPHILIA; Omenn syndrome. Identifiers: Orphanet 39041, MedGen C2700553, MONDO:0011338, OMIM 603554.

Allele frequency attached by ClinVar (database versions not stated): gnomAD 0.00001; TOPMed 0.00001.
gnomAD v4.1: 5 of 1,614,010 alleles (0.00031%); highest among the groups gnomAD compares: East Asian, 0.0022%; no homozygotes.

Submissions (2):

Division of Clinical Immunology and Allergy, Necmettin Erbakan University, Faculty of Medicine
Classification: Uncertain significance for Severe combined immunodeficiency, autosomal recessive, T cell-negative, B cell-negative, NK cell-positive; Histiocytic medullary reticulosis; Combined immunodeficiency with skin granulomas. Last evaluated: 2026-05-14. Review status: criteria provided, single submitter. Criteria: ACMG Guidelines, 2015. Collection method: clinical testing. Allele origin: germline. Affected: no. Observed: 1 variant allele.

Labcorp Genetics (formerly Invitae), Labcorp
Classification: Uncertain significance for Combined immunodeficiency with skin granulomas; Severe combined immunodeficiency, autosomal recessive, T cell-negative, B cell-negative, NK cell-positive. Last evaluated: 2022-06-22. Review status: criteria provided, single submitter. Criteria: Invitae Variant Classification Sherloc (09022015). Collection method: clinical testing. Allele origin: germline.
Comment: This sequence change replaces alanine, which is neutral and non-polar, with aspartic acid, which is acidic and polar, at codon 217 of the RAG1 protein (p.Ala217Asp). This variant is present in population databases (no rsID available, gnomAD 0.06%). This variant has not been reported in the literature in individuals affected with RAG1-related conditions. Advanced modeling of protein sequence and biophysical properties (such as structural, functional, and spatial information, amino acid conservation, physicochemical variation, residue mobility, and thermodynamic stability) performed at Invitae indicates that this missense variant is not expected to disrupt RAG1 protein function. In summary, the available evidence is currently insufficient to determine the role of this variant in disease. Therefore, it has been classified as a Variant of Uncertain Significance.

NM_000448.3(RAG1):c.650C>A (p.Ala217Asp)

Gene: RAG1 (recombination activating 1; plus strand). Cytogenetic location: 11p12.
Variant type: single nucleotide variant.
Coding change: c.650C>A on transcript NM_000448.3 (MANE Select); coding-DNA position 650, C replaced by A.
Protein change: p.Ala217Asp; replaces alanine 217 with aspartic acid.
Molecular consequence: missense variant.
Genome position (GRCh38, 1-based): chr11:36,573,954, C>A. VCF-style: chr11-36573954-C-A. GRCh37 (hg19) VCF-style: chr11-36595504-C-A.
Other names: c.650C>A, p.Ala217Asp (NM_001377277.1, NM_001377278.1, NM_001377279.1 and 1 more transcripts); short protein forms A217D.
Identifiers: ClinVar variation 2090549 (VCV002090549.2), dbSNP rs766340723, ClinGen allele CA380149278.